The following is an entry in ClinVar:

ClinVar aggregate classification (germline): Uncertain significance (1 of 4 stars; one submission).

Conditions:
Episodic ataxia type 2 (EA2). Also called: CEREBELLAR ATAXIA, PAROXYSMAL, ACETAZOLAMIDE-RESPONSIVE; CEREBELLOPATHY, HEREDITARY PAROXYSMAL; EPISODIC ATAXIA, NYSTAGMUS-ASSOCIATED; ACETAZOLAMIDE-RESPONSIVE HEREDITARY PAROXYSMAL CEREBELLAR ATAXIA; ATAXIA, EPISODIC, WITH NYSTAGMUS; ATAXIA, FAMILIAL PAROXYSMAL. Identifiers: Orphanet 97, MedGen C1720416, MONDO:0007163, OMIM 108500.
Developmental and epileptic encephalopathy, 42 (DEE42A). Also called: Epileptic encephalopathy, early infantile, 42; DEVELOPMENTAL AND EPILEPTIC ENCEPHALOPATHY 42A; EPILEPTIC ENCEPHALOPATHY, EARLY INFANTILE, 42A. Identifiers: MedGen C4310716, MONDO:0014917, OMIM 617106.

Submission:

Labcorp Genetics (formerly Invitae), Labcorp
Classification: Uncertain significance for Developmental and epileptic encephalopathy, 42; Episodic ataxia type 2. Last evaluated: 2023-06-07. Review status: criteria provided, single submitter. Criteria: Invitae Variant Classification Sherloc (09022015). Collection method: clinical testing. Allele origin: germline.
Comment: This variant has not been reported in the literature in individuals affected with CACNA1A-related conditions. This variant is not present in population databases (gnomAD no frequency). This sequence change replaces aspartic acid, which is acidic and polar, with tyrosine, which is neutral and polar, at codon 1851 of the CACNA1A protein (p.Asp1851Tyr). In summary, the available evidence is currently insufficient to determine the role of this variant in disease. Therefore, it has been classified as a Variant of Uncertain Significance. Advanced modeling of protein sequence and biophysical properties (such as structural, functional, and spatial information, amino acid conservation, physicochemical variation, residue mobility, and thermodynamic stability) has been performed at Invitae for this missense variant, however the output from this modeling did not meet the statistical confidence thresholds required to predict the impact of this variant on CACNA1A protein function.

NM_001127221.2(CACNA1A):c.5551G>T (p.Asp1851Tyr)

Gene: CACNA1A (calcium voltage-gated channel subunit alpha1 A; minus strand). Cytogenetic location: 19p13.13.
Variant type: single nucleotide variant.
Coding change: c.5551G>T on transcript NM_001127221.2 (MANE Plus Clinical); coding-DNA position 5551, G replaced by T.
Protein change: p.Asp1851Tyr; replaces aspartic acid 1851 with tyrosine.
Molecular consequence: missense variant. On other transcripts: intron variant (4).
Genome position (GRCh38, 1-based): chr19:13,228,776, C>A on the plus strand (G>T on the coding strand, the complement: CACNA1A is on the minus strand). VCF-style: chr19-13228776-C-A. GRCh37 (hg19) VCF-style: chr19-13339590-C-A.
Other names: c.5529-1249G>T (NM_001127222.2); c.5538-1249G>T (NM_001174080.2); c.5547-1249G>T (NM_000068.4, NM_023035.3); short protein forms D1851Y.
Identifiers: ClinVar variation 2946599 (VCV002946599.3), dbSNP rs2512610860, ClinGen allele CA404331831.